The following is an entry in ClinVar:

ClinVar aggregate classification (germline): Likely pathogenic (1 of 4 stars; one submission).

Conditions:
Multiple sulfatase deficiency (MSD). Also called: Mucosulfatidosis; Multiple Sulfatase Deficiency Disease; Sulfatidosis, Juvenile, Austin Type. Identifiers: Orphanet 585, MedGen C0268263, MONDO:0010088, OMIM 272200.

gnomAD v4.1: 1 of 1,614,068 alleles (0.000062%); no homozygotes.

Submission:

Natera, Inc.
Classification: Likely pathogenic for Multiple sulfatase deficiency. Last evaluated: 2025-09-17. Review status: criteria provided, single submitter. Criteria: Natera Variant Classification Schema (03/2026). Collection method: clinical testing. Allele origin: germline.
Comment: The c.688G>T variant in SUMF1 is a nonsense variant predicted to introduce a stop codon at amino acid 230. This variant is expected to result in nonsense mediated decay, truncation, or a dysfunctional protein product. This variant is rare in the general population with a frequency below the threshold expected for the associated phenotype(s). Given the available evidence, this variant is classified as Likely Pathogenic.

NM_182760.4(SUMF1):c.688G>T (p.Glu230Ter)

Gene: SUMF1 (sulfatase modifying factor 1; minus strand). Cytogenetic location: 3p26.1.
Variant type: single nucleotide variant.
Coding change: c.688G>T on transcript NM_182760.4 (MANE Select); coding-DNA position 688, G replaced by T.
Protein change: p.Glu230Ter; replaces glutamic acid 230 with a stop codon.
Molecular consequence: nonsense.
Genome position (GRCh38, 1-based): chr3:4,418,047, C>A on the plus strand (G>T on the coding strand, the complement: SUMF1 is on the minus strand). VCF-style: chr3-4418047-C-A. GRCh37 (hg19) VCF-style: chr3-4459731-C-A.
Other names: c.613G>T, p.Glu205Ter (NM_001164674.2); c.688G>T, p.Glu230Ter (NM_001164675.2); short protein forms E205*, E230*.
Identifiers: ClinVar variation 4817000 (VCV004817000.1).